The following is an entry in ClinVar:

ClinVar aggregate classification (germline): Uncertain significance (1 of 4 stars; one submission).

Submission:

GeneDx
Classification: Uncertain significance. Last evaluated: 2024-03-04. Review status: criteria provided, single submitter. Criteria: GeneDx Variant Classification Process June 2021. Collection method: clinical testing. Allele origin: germline. Affected: yes.
Comment: Not observed at significant frequency in large population cohorts (gnomAD); In silico analysis supports that this missense variant has a deleterious effect on protein structure/function; Has not been previously published as pathogenic or benign to our knowledge

NM_031407.7(HUWE1):c.1067A>G (p.His356Arg)

Gene: HUWE1 (HECT, UBA and WWE domain containing E3 ubiquitin protein ligase 1; minus strand). Cytogenetic location: Xp11.22.
Variant type: single nucleotide variant.
Coding change: c.1067A>G on transcript NM_031407.7 (MANE Select); coding-DNA position 1067, A replaced by G.
Protein change: p.His356Arg; replaces histidine 356 with arginine.
Molecular consequence: missense variant.
Genome position (GRCh38, 1-based): chrX:53,628,799, T>C on the plus strand (A>G on the coding strand, the complement: HUWE1 is on the minus strand). VCF-style: chrX-53628799-T-C. GRCh37 (hg19) VCF-style: chrX-53655750-T-C.
Other names: short protein forms H356R.
Identifiers: ClinVar variation 3373570 (VCV003373570.1).